The following is an entry in ClinVar:

NM_000088.4(COL1A1):c.1492G>A (p.Ala498Thr)

Gene: COL1A1 (collagen type I alpha 1 chain; minus strand). Cytogenetic location: 17q21.33.
Variant type: single nucleotide variant.
Coding change: c.1492G>A on transcript NM_000088.4 (MANE Select); coding-DNA position 1492, G replaced by A.
Protein change: p.Ala498Thr; replaces alanine 498 with threonine.
Molecular consequence: missense variant.
Genome position (GRCh38, 1-based): chr17:50,194,596, C>T on the plus strand (G>A on the coding strand, the complement: COL1A1 is on the minus strand). VCF-style: chr17-50194596-C-T. GRCh37 (hg19) VCF-style: chr17-48271957-C-T.
Other names: short protein forms A498T.
Identifiers: ClinVar variation 853945 (VCV000853945.57), dbSNP rs1051473344, ClinGen allele CA291545371.

ClinVar aggregate classification (germline): Conflicting classifications of pathogenicity. Review status: criteria provided, conflicting classifications (1 of 4 stars). 7 submissions from 5 submitters: Uncertain significance (6); Likely benign (1). Last evaluated 2024-12-16.

Conditions:
Ehlers-Danlos syndrome, arthrochalasia type. Also called: Ehlers-Danlos syndrome, arthrochalasis type; ARTHROCHALASIS MULTIPLEX CONGENITA; EDS VII, MUTANT PROCOLLAGEN TYPE; EDS VIIA; Ehlers-Danlos syndrome, arthrochalasia type, 1. Identifiers: Orphanet 1899, Orphanet 99875, Orphanet 99876, MedGen C4551623, MONDO:0007525, OMIM 130060.
Osteogenesis imperfecta type I (OI1). Also called: Lobstein disease; Osteogenesis imperfecta type 1; Classic Non-deforming Osteogenesis Imperfecta with Blue Sclerae; Lobstein's Disease; OI, TYPE I; OSTEOGENESIS IMPERFECTA TARDA. Identifiers: Orphanet 216796, Orphanet 666, MedGen C0023931, MONDO:0008146, OMIM 166200. Disease mechanism: loss of function.
Osteogenesis imperfecta (OI). Identifiers: Orphanet 666, MedGen C0029434, MeSH D010013, MONDO:0019019.
Infantile cortical hyperostosis. Also called: Caffey Disease; P1PK BLOOD GROUP SYSTEM, P(2) PHENOTYPE; Hyperostosis, Cortical, Congenital. Identifiers: Orphanet 1310, MedGen C0020497, MONDO:0007244, OMIM 114000.
Cardiovascular phenotype. Identifiers: MedGen CN230736.

Allele frequency attached by ClinVar (database versions not stated): gnomAD 0.00001; gnomAD exomes 0.00001; TOPMed 0.00001.
gnomAD v4.1: 16 of 1,576,434 alleles (0.001%); highest among the groups gnomAD compares: Non-Finnish European, 0.0014%; no homozygotes.

Submissions (7):

Women's Health and Genetics/Laboratory Corporation of America, LabCorp
Classification: Uncertain significance. Last evaluated: 2024-12-16. Review status: criteria provided, single submitter. Criteria: LabCorp Variant Classification Summary - May 2015. Collection method: clinical testing. Allele origin: germline.
Comment: Variant summary: COL1A1 c.1492G>A (p.Ala498Thr) results in a non-conservative amino acid change located in the collagen triple helix repeat domain (IPR008160) of the encoded protein sequence. Three of five in-silico tools predict a damaging effect of the variant on protein function. The variant allele was found at a frequency of 1.1e-05 in 185358 control chromosomes. The available data on variant occurrences in the general population are insufficient to allow any conclusion about variant significance. To our knowledge, no occurrence of c.1492G>A in individuals affected with Osteogenesis Imperfecta or other COL1A!-related disorders and no experimental evidence demonstrating its impact on protein function have been reported. ClinVar contains an entry for this variant (Variation ID: 853945). Based on the evidence outlined above, the variant was classified as uncertain significance.

Labcorp Genetics (formerly Invitae), Labcorp
Classification: Likely benign for Osteogenesis imperfecta type I. Last evaluated: 2023-08-17. Review status: criteria provided, single submitter. Criteria: Invitae Variant Classification Sherloc (09022015). Collection method: clinical testing. Allele origin: germline.

CeGaT Center for Human Genetics Tuebingen
Classification: Uncertain significance. Last evaluated: 2020-01-01. Review status: criteria provided, single submitter. Criteria: CeGaT Center For Human Genetics Tuebingen Variant Classification Criteria Version 2. Collection method: clinical testing. Allele origin: germline. Affected: yes. Observed: 1 variant allele.

Ambry Genetics
Classification: Uncertain significance for Cardiovascular phenotype. Last evaluated: 2019-04-04. Review status: criteria provided, single submitter. Criteria: Ambry Variant Classification Scheme 2023. Collection method: clinical testing. Allele origin: germline.
Comment: The p.A498T variant (also known as c.1492G>A), located in coding exon 22 of the COL1A1 gene, results from a G to A substitution at nucleotide position 1492. The alanine at codon 498 is replaced by threonine, an amino acid with similar properties. This amino acid position is not well conserved in available vertebrate species. In addition, the in silico prediction for this alteration is inconclusive. Since supporting evidence is limited at this time, the clinical significance of this alteration remains unclear.

Illumina Laboratory Services, Illumina
Classification: Uncertain significance for Osteogenesis imperfecta. Last evaluated: 2017-04-29. Review status: criteria provided, single submitter. Criteria: ICSL Variant Classification Criteria 13 December 2019. Collection method: clinical testing. Allele origin: germline.

Illumina Laboratory Services, Illumina
Classification: Uncertain significance for Infantile cortical hyperostosis. Last evaluated: 2017-04-29. Review status: criteria provided, single submitter. Criteria: ICSL Variant Classification Criteria 13 December 2019. Collection method: clinical testing. Allele origin: germline.

Illumina Laboratory Services, Illumina
Classification: Uncertain significance for Ehlers-Danlos syndrome, arthrochalasia type. Last evaluated: 2017-04-29. Review status: criteria provided, single submitter. Criteria: ICSL Variant Classification Criteria 13 December 2019. Collection method: clinical testing. Allele origin: germline.